The following is an entry in ClinVar:

ClinVar aggregate classification (germline): Uncertain significance. Review status: criteria provided, multiple submitters, no conflicts (2 of 4 stars). 3 submissions from 3 submitters: Uncertain significance (3). Last evaluated 2025-08-26.

Conditions:
Lethal Kniest-like syndrome (DDSH). Also called: Dyssegmental Dysplasia. Identifiers: Orphanet 1865, MedGen C1857100, MONDO:0009140, OMIM 224410.
Schwartz-Jampel syndrome type 1 (SJS1). Also called: MYOTONIC MYOPATHY, DWARFISM, CHONDRODYSTROPHY, AND OCULAR AND FACIAL ABNORMALITIES; CHONDRODYSTROPHIC MYOTONIA. Identifiers: MedGen C4551479, MONDO:0100435, OMIM 255800.
Inborn genetic diseases. Identifiers: MedGen C0950123, MeSH D030342.

gnomAD v4.1: 126 of 1,606,372 alleles (0.0078%); highest among the groups gnomAD compares: Middle Eastern, 0.12%; no homozygotes.

Submissions (3):

Ambry Genetics
Classification: Uncertain significance for Inborn genetic diseases. Last evaluated: 2025-08-26. Review status: criteria provided, single submitter. Criteria: Ambry Variant Classification Scheme 2023. Collection method: clinical testing. Allele origin: germline.

Labcorp Genetics (formerly Invitae), Labcorp
Classification: Uncertain significance. Last evaluated: 2024-11-29. Review status: criteria provided, single submitter. Criteria: Invitae Variant Classification Sherloc (09022015). Collection method: clinical testing. Allele origin: germline.
Comment: This sequence change replaces valine, which is neutral and non-polar, with methionine, which is neutral and non-polar, at codon 3760 of the HSPG2 protein (p.Val3760Met). This variant is present in population databases (rs185442868, gnomAD 0.01%). This variant has not been reported in the literature in individuals affected with HSPG2-related conditions. An algorithm developed to predict the effect of missense changes on protein structure and function (PolyPhen-2) suggests that this variant is likely to be disruptive. In summary, the available evidence is currently insufficient to determine the role of this variant in disease. Therefore, it has been classified as a Variant of Uncertain Significance.

Juno Genomics, Hangzhou Juno Genomics, Inc
Classification: Uncertain significance for Schwartz-Jampel syndrome type 1; Lethal Kniest-like syndrome. Review status: criteria provided, single submitter. Criteria: ACMG Guidelines, 2015. Collection method: clinical testing. Allele origin: germline.
Comment: Absent from controls (or at extremely low frequency if recessive) in Genome Aggregation Database.;Multiple lines of computational evidence support a deleterious effect on the gene or gene product.;Missense variant in a gene that has a low rate of benign missense variation.

NM_005529.7(HSPG2):c.11278G>A (p.Val3760Met)

Gene: HSPG2 (heparan sulfate proteoglycan 2; minus strand). Cytogenetic location: 1p36.12.
Variant type: single nucleotide variant.
Coding change: c.11278G>A on transcript NM_005529.7 (MANE Select); coding-DNA position 11278, G replaced by A.
Protein change: p.Val3760Met; replaces valine 3760 with methionine.
Molecular consequence: missense variant.
Genome position (GRCh38, 1-based): chr1:21,831,726, C>T on the plus strand (G>A on the coding strand, the complement: HSPG2 is on the minus strand). VCF-style: chr1-21831726-C-T. GRCh37 (hg19) VCF-style: chr1-22158219-C-T.
Other names: c.11281G>A, p.Val3761Met (NM_001291860.2); c.11278G>A (NM_005529.5); short protein forms V3760M, V3761M.
Identifiers: ClinVar variation 3706748 (VCV003706748.5).
Genomic context (GRCh38, chr1:21,831,726, plus strand): 5'-TGACCGGGGCCAGGTCACCCACAATCAGGGAGCCCTGGGTGAGGCTGCGCAGCAGGGTCA[C>T]GGTGTGGAAATGGCCCAGGGCCAGTGGTGTGGGATGGCGGATGGTGGCCATGCCTGAGCC-3'
Protein context (NP_005520.4, residues 3750-3770): TPLALGHFHT[Val3760Met]TLLRSLTQGS